The following is an entry in ClinVar:

ClinVar aggregate classification (germline): Uncertain significance (1 of 4 stars; one submission).

Submission:

GeneDx
Classification: Uncertain significance. Last evaluated: 2025-01-31. Review status: criteria provided, single submitter. Criteria: GeneDx Variant Classification Process June 2021. Collection method: clinical testing. Allele origin: germline. Affected: yes.
Comment: Not observed at significant frequency in large population cohorts (gnomAD); Nonsense variant predicted to result in protein truncation as the last 139 amino acids are lost; Has not been previously published as pathogenic or benign to our knowledge

NM_001128164.2(ATXN1):c.2030C>G (p.Ser677Ter)

Gene: ATXN1 (ataxin 1; minus strand). Cytogenetic location: 6p22.3.
Variant type: single nucleotide variant.
Coding change: c.2030C>G on transcript NM_001128164.2 (MANE Select); coding-DNA position 2030, C replaced by G.
Protein change: p.Ser677Ter; replaces serine 677 with a stop codon.
Molecular consequence: nonsense. On other transcripts: 3 prime UTR variant (1).
Genome position (GRCh38, 1-based): chr6:16,306,747, G>C on the plus strand (C>G on the coding strand, the complement: ATXN1 is on the minus strand). VCF-style: chr6-16306747-G-C. GRCh37 (hg19) VCF-style: chr6-16306978-G-C.
Other names: c.2030C>G, p.Ser677Ter (NM_000332.4); c.*1443C>G (NM_001357857.2); short protein forms S677*.
Identifiers: ClinVar variation 4072657 (VCV004072657.1).